The following is an entry in ClinVar:

ClinVar aggregate classification (germline): Uncertain significance (1 of 4 stars; one submission).

Submission:

Ambry Genetics
Classification: Uncertain significance. Last evaluated: 2024-06-21. Review status: criteria provided, single submitter. Criteria: Ambry Variant Classification Scheme 2023. Collection method: clinical testing. Allele origin: germline.
Comment: The p.W1230G variant (also known as c.3688T>G), located in coding exon 4 of the ALPK2 gene, results from a T to G substitution at nucleotide position 3688. The tryptophan at codon 1230 is replaced by glycine, an amino acid with highly dissimilar properties. This amino acid position is conserved. In addition, this alteration is predicted to be tolerated by in silico analysis. Based on the available evidence, the clinical significance of this variant remains unclear.

NM_052947.4(ALPK2):c.3688T>G (p.Trp1230Gly)

Genes: ALPK2 (alpha kinase 2; minus strand), LOC126862764 (BRD4-independent group 4 enhancer GRCh37_chr18:56202574-56203773; plus strand). Cytogenetic location: 18q21.31.
Variant type: single nucleotide variant.
Coding change: c.3688T>G on transcript NM_052947.4 (MANE Select); coding-DNA position 3688, T replaced by G.
Protein change: p.Trp1230Gly; replaces tryptophan 1230 with glycine.
Molecular consequence: missense variant.
Genome position (GRCh38, 1-based): chr18:58,536,499, A>C on the plus strand (T>G on the coding strand, the complement: ALPK2 is on the minus strand). VCF-style: chr18-58536499-A-C. GRCh37 (hg19) VCF-style: chr18-56203731-A-C.
Other names: short protein forms W1230G.
Identifiers: ClinVar variation 3290796 (VCV003290796.1).